The following is an entry in ClinVar:

ClinVar aggregate classification (germline): Conflicting classifications of pathogenicity. Review status: criteria provided, conflicting classifications (1 of 4 stars). 4 submissions from 3 submitters: Uncertain significance (2); Likely benign (2). Last evaluated 2026-06-15.

Conditions:
Idiopathic hypereosinophilic syndrome (HES). Identifiers: Orphanet 3260, MedGen C0206141, MONDO:0011895, OMIM 607685. Disease mechanism: gain of function.
Polyps, multiple and recurrent inflammatory fibroid, gastrointestinal. Identifiers: MedGen C5193005, MONDO:0008285, OMIM 175510.
Gastrointestinal stromal tumor. Also called: Gastrointestinal stroma tumor; Gastrointestinal stromal tumor, somatic. Identifiers: Orphanet 44890, MedGen C0238198, MeSH D046152, MONDO:0011719, OMIM 606764, HP:0100723.

Allele frequency attached by ClinVar (database versions not stated): gnomAD 0.00001; gnomAD exomes 0.00002 and below 0.00001; TOPMed below 0.00001.
gnomAD v4.1: 33 of 1,604,934 alleles (0.0021%); highest among the groups gnomAD compares: Non-Finnish European, 0.0024%; no homozygotes.

Submissions (4):

Myriad Genetics, Inc.
Classification: Likely benign for Polyps, multiple and recurrent inflammatory fibroid, gastrointestinal. Last evaluated: 2026-06-15. Review status: criteria provided, single submitter. Criteria: Myriad Autosomal Dominant, Autosomal Recessive and X-Linked Classification Criteria (2023). Collection method: clinical testing. Allele origin: unknown.
Comment: This variant is considered likely benign. This variant is intronic and is not expected to impact mRNA splicing.

Labcorp Genetics (formerly Invitae), Labcorp
Classification: Likely benign for Gastrointestinal stromal tumor. Last evaluated: 2025-10-14. Review status: criteria provided, single submitter. Criteria: Invitae Variant Classification Sherloc (09022015). Collection method: clinical testing. Allele origin: germline.

Illumina Laboratory Services, Illumina
Classification: Uncertain significance for Idiopathic hypereosinophilic syndrome. Last evaluated: 2018-01-13. Review status: criteria provided, single submitter. Criteria: ICSL Variant Classification Criteria 13 December 2019. Collection method: clinical testing. Allele origin: germline.

Illumina Laboratory Services, Illumina
Classification: Uncertain significance for Gastrointestinal stromal tumor. Last evaluated: 2018-01-13. Review status: criteria provided, single submitter. Criteria: ICSL Variant Classification Criteria 13 December 2019. Collection method: clinical testing. Allele origin: germline.

NM_006206.6(PDGFRA):c.2881-8G>A

Gene: PDGFRA (platelet derived growth factor receptor alpha; plus strand). Cytogenetic location: 4q12.
Variant type: single nucleotide variant.
Coding change: c.2881-8G>A on transcript NM_006206.6 (MANE Select); 8 bases into the intron before coding-DNA position 2881, G replaced by A.
Molecular consequence: intron variant.
Genome position (GRCh38, 1-based): chr4:54,290,305, G>A. VCF-style: chr4-54290305-G-A. GRCh37 (hg19) VCF-style: chr4-55156472-G-A.
Other names: c.2956-8G>A (NM_001347828.2); c.2881-8G>A (NM_001347829.2); c.2920-8G>A (NM_001347830.2).
Identifiers: ClinVar variation 414481 (VCV000414481.18), dbSNP rs778161572, ClinGen allele CA16611474.